The following is an entry in ClinVar:

NM_000719.7(CACNA1C):c.2831T>G (p.Phe944Cys)

Gene: CACNA1C (calcium voltage-gated channel subunit alpha1 C; plus strand). Cytogenetic location: 12p13.33.
Variant type: single nucleotide variant.
Coding change: c.2831T>G on transcript NM_000719.7 (MANE Select); coding-DNA position 2831, T replaced by G.
Protein change: p.Phe944Cys; replaces phenylalanine 944 with cysteine.
Molecular consequence: missense variant. On other transcripts: intron variant (8).
Genome position (GRCh38, 1-based): chr12:2,597,267, T>G. VCF-style: chr12-2597267-T-G. GRCh37 (hg19) VCF-style: chr12-2706433-T-G.
Other names: c.2831T>G, p.Phe944Cys (NM_001129827.2, NM_001129829.2, NM_001129831.2 and 10 more transcripts); c.2822T>G, p.Phe941Cys (NM_001129844.2); c.2794-170T>G (NM_001129840.2, NM_001129836.2, NM_001129841.2 and 5 more transcripts); short protein forms F944C, F941C.
Identifiers: ClinVar variation 5009877 (VCV005009877.1).

ClinVar aggregate classification (germline): Uncertain significance (1 of 4 stars; one submission).

gnomAD v4.1: 1 of 1,612,664 alleles (0.000062%); highest among the groups gnomAD compares: East Asian, 0.0022%; no homozygotes.

Submission:

GeneDx
Classification: Uncertain significance. Last evaluated: 2026-02-26. Review status: criteria provided, single submitter. Criteria: GeneDx Variant Classification Process June 2021. Collection method: clinical testing. Allele origin: germline.
Comment: Not observed at significant frequency in large population cohorts (gnomAD); In silico analysis supports that this missense variant has a deleterious effect on protein structure/function; Has not been previously published as pathogenic or benign to our knowledge